The following is an entry in ClinVar:

NM_020549.5(CHAT):c.91G>A (p.Val31Met)

Gene: CHAT (choline O-acetyltransferase; plus strand). Cytogenetic location: 10q11.23.
Variant type: single nucleotide variant.
Coding change: c.91G>A on transcript NM_020549.5 (MANE Select); coding-DNA position 91, G replaced by A.
Protein change: p.Val31Met; replaces valine 31 with methionine.
Molecular consequence: missense variant. On other transcripts: 5 prime UTR variant (3), intron variant (3).
Genome position (GRCh38, 1-based): chr10:49,614,280, G>A. VCF-style: chr10-49614280-G-A. GRCh37 (hg19) VCF-style: chr10-50822326-G-A.
Other names: c.-264G>A (NM_001142929.2); c.-226G>A (NM_001142933.2); c.-334G>A (NM_001142934.2); c.-68-2222G>A (NM_020984.4); c.-240-24G>A (NM_020985.4); c.-69+1078G>A (NM_020986.4); short protein forms V31M.
Identifiers: ClinVar variation 2439946 (VCV002439946.6), dbSNP rs1005755959, ClinGen allele CA206622845.

ClinVar aggregate classification (germline): Uncertain significance. Review status: criteria provided, multiple submitters, no conflicts (2 of 4 stars). 3 submissions from 3 submitters: Uncertain significance (3). Last evaluated 2025-09-05.

Conditions:
Inborn genetic diseases. Identifiers: MedGen C0950123, MeSH D030342.
Familial infantile myasthenia (CMS6). Also called: MYASTHENIC SYNDROME, CONGENITAL, 6, PRESYNAPTIC; Congenital myasthenic syndrome type 6; MYASTHENIC SYNDROME, PRESYNAPTIC, CONGENITAL, ASSOCIATED WITH EPISODIC APNEA. Identifiers: Orphanet 590, MedGen C0393929, MONDO:0009689, OMIM 254210.

Allele frequency attached by ClinVar (database versions not stated): gnomAD exomes below 0.00001.
gnomAD v4.1: 7 of 1,548,406 alleles (0.00045%); highest among the groups gnomAD compares: Non-Finnish European, 0.00052%; no homozygotes.

Submissions (3):

Ambry Genetics
Classification: Uncertain significance for Inborn genetic diseases. Last evaluated: 2025-09-05. Review status: criteria provided, single submitter. Criteria: Ambry Variant Classification Scheme 2023. Collection method: clinical testing. Allele origin: germline.

Labcorp Genetics (formerly Invitae), Labcorp
Classification: Uncertain significance for Familial infantile myasthenia. Last evaluated: 2024-06-17. Review status: criteria provided, single submitter. Criteria: Invitae Variant Classification Sherloc (09022015). Collection method: clinical testing. Allele origin: germline.
Comment: This sequence change replaces valine, which is neutral and non-polar, with methionine, which is neutral and non-polar, at codon 31 of the CHAT protein (p.Val31Met). This variant is present in population databases (no rsID available, gnomAD no frequency). This variant has not been reported in the literature in individuals affected with CHAT-related conditions. ClinVar contains an entry for this variant (Variation ID: 2439946). Advanced modeling of protein sequence and biophysical properties (such as structural, functional, and spatial information, amino acid conservation, physicochemical variation, residue mobility, and thermodynamic stability) performed at Invitae indicates that this missense variant is not expected to disrupt CHAT protein function with a negative predictive value of 95%. In summary, the available evidence is currently insufficient to determine the role of this variant in disease. Therefore, it has been classified as a Variant of Uncertain Significance.

Revvity Omics, Revvity
Classification: Uncertain significance for Familial infantile myasthenia. Last evaluated: 2019-09-05. Review status: criteria provided, single submitter. Criteria: ACMG Guidelines, 2015. Collection method: clinical testing. Allele origin: germline.